The following is an entry in ClinVar:

NM_004655.4(AXIN2):c.383T>C (p.Leu128Ser)

Gene: AXIN2 (axin 2; minus strand). Cytogenetic location: 17q24.1.
Variant type: single nucleotide variant.
Coding change: c.383T>C on transcript NM_004655.4 (MANE Select); coding-DNA position 383, T replaced by C.
Protein change: p.Leu128Ser; replaces leucine 128 with serine.
Molecular consequence: missense variant.
Genome position (GRCh38, 1-based): chr17:65,558,238, A>G on the plus strand (T>C on the coding strand, the complement: AXIN2 is on the minus strand). VCF-style: chr17-65558238-A-G. GRCh37 (hg19) VCF-style: chr17-63554356-A-G.
Other names: c.383T>C, p.Leu128Ser (NM_001363813.1); c.383T>C (NM_004655.3); short protein forms L128S.
Identifiers: ClinVar variation 1040903 (VCV001040903.9), dbSNP rs2044302964, ClinGen allele CA400681511.

ClinVar aggregate classification (germline): Uncertain significance. Review status: criteria provided, multiple submitters, no conflicts (2 of 4 stars). 2 submissions from 2 submitters: Uncertain significance (2). Last evaluated 2025-09-06.

Conditions:
Hereditary cancer-predisposing syndrome. Also called: Hereditary Cancer Syndrome; Tumor predisposition; Hereditary neoplastic syndrome; Neoplastic Syndromes, Hereditary. Identifiers: Orphanet 140162, MedGen C0027672, MeSH D009386, MONDO:0015356.
Oligodontia-cancer predisposition syndrome. Also called: TOOTH AGENESIS-COLORECTAL CANCER SYNDROME. Identifiers: Orphanet 300576, MedGen C1837750, MONDO:0012075, OMIM 608615. Disease mechanism: loss of function.

Submissions (2):

Ambry Genetics
Classification: Uncertain significance for Hereditary cancer-predisposing syndrome. Last evaluated: 2025-09-06. Review status: criteria provided, single submitter. Criteria: Ambry Variant Classification Scheme 2023. Collection method: clinical testing. Allele origin: germline.
Comment: The p.L128S variant (also known as c.383T>C), located in coding exon 1 of the AXIN2 gene, results from a T to C substitution at nucleotide position 383. The leucine at codon 128 is replaced by serine, an amino acid with dissimilar properties. This amino acid position is conserved. In addition, this alteration is predicted to be tolerated by in silico analysis. Based on the available evidence, the clinical significance of this variant remains unclear.

Labcorp Genetics (formerly Invitae), Labcorp
Classification: Uncertain significance for Oligodontia-cancer predisposition syndrome. Last evaluated: 2025-01-01. Review status: criteria provided, single submitter. Criteria: Invitae Variant Classification Sherloc (09022015). Collection method: clinical testing. Allele origin: germline.
Comment: This sequence change replaces leucine, which is neutral and non-polar, with serine, which is neutral and polar, at codon 128 of the AXIN2 protein (p.Leu128Ser). This variant is not present in population databases (gnomAD no frequency). This variant has not been reported in the literature in individuals affected with AXIN2-related conditions. ClinVar contains an entry for this variant (Variation ID: 1040903). Invitae Evidence Modeling of protein sequence and biophysical properties (such as structural, functional, and spatial information, amino acid conservation, physicochemical variation, residue mobility, and thermodynamic stability) indicates that this missense variant is not expected to disrupt AXIN2 protein function with a negative predictive value of 80%. In summary, the available evidence is currently insufficient to determine the role of this variant in disease. Therefore, it has been classified as a Variant of Uncertain Significance.